The following is an entry in ClinVar:

ClinVar aggregate classification (germline): Conflicting classifications of pathogenicity. Review status: criteria provided, conflicting classifications (1 of 4 stars). 4 submissions from 4 submitters: Uncertain significance (3); Likely benign (1). Last evaluated 2025-10-14.

Conditions:
Hypokalemic periodic paralysis, type 1. Also called: Hypokalemic Periodic Paralysis Type 1 (AD); HypoPP. Identifiers: Orphanet 681, MedGen C3714580, MONDO:0042979, OMIM 170400.
Malignant hyperthermia, susceptibility to, 5 (MHS5). Also called: CACNA1S-Related Malignant Hyperthermia Susceptibility. Identifiers: Orphanet 423, MedGen C1866077, MONDO:0011163, OMIM 601887.
Congenital myopathy 18. Also called: DIHYDROPYRIDINE RECEPTOR CONGENITAL MYOPATHY; DHPR CONGENITAL MYOPATHY; Myopathy, congenital, due to dihydropyridine receptor defect. Identifiers: MedGen C5830283, MONDO:0859514, OMIM 620246.
Thyrotoxic periodic paralysis, susceptibility to, 1 (TTPP1). Identifiers: Orphanet 79102, MedGen C2749982, MONDO:0008570, OMIM 188580.

Allele frequency attached by ClinVar (database versions not stated): gnomAD exomes below 0.00001 and 0.00001; TOPMed 0.00001.
gnomAD v4.1: 7 of 1,614,182 alleles (0.00043%); highest among the groups gnomAD compares: South Asian, 0.0033%; no homozygotes.

Submissions (4):

Labcorp Genetics (formerly Invitae), Labcorp
Classification: Likely benign for Hypokalemic periodic paralysis, type 1; Malignant hyperthermia, susceptibility to, 5. Last evaluated: 2025-10-14. Review status: criteria provided, single submitter. Criteria: Invitae Variant Classification Sherloc (09022015). Collection method: clinical testing. Allele origin: germline.

Color Diagnostics, LLC DBA Color Health
Classification: Uncertain significance for Malignant hyperthermia, susceptibility to, 5. Last evaluated: 2025-05-20. Review status: criteria provided, single submitter. Criteria: ACMG Guidelines, 2015. Collection method: clinical testing. Allele origin: germline.
Comment: This missense variant replaces arginine with glutamine at codon 1534 of the CACNA1S protein. Computational prediction suggests that this variant may have deleterious impact on protein structure and function. To our knowledge, functional studies have not been reported for this variant. This variant has not been reported in individuals affected with CACNA1S-related disorders in the literature. This variant has been identified in 3/251488 chromosomes in the general population by the Genome Aggregation Database (gnomAD). The available evidence is insufficient to determine the role of this variant in disease conclusively. Therefore, this variant is classified as a Variant of Uncertain Significance.

Fulgent Genetics
Classification: Uncertain significance for Hypokalemic periodic paralysis, type 1; Thyrotoxic periodic paralysis, susceptibility to, 1; Malignant hyperthermia, susceptibility to, 5; Congenital myopathy 18. Last evaluated: 2024-06-17. Review status: criteria provided, single submitter. Criteria: ACMG Guidelines, 2015. Collection method: clinical testing. Allele origin: germline.

All of Us Research Program, National Institutes of Health
Classification: Uncertain significance for Malignant hyperthermia, susceptibility to, 5. Last evaluated: 2024-01-11. Review status: criteria provided, single submitter. Criteria: ACMG Guidelines, 2015. Collection method: clinical testing. Allele origin: germline. Inheritance: Autosomal dominant inheritance. Observed: 2 variant alleles, 2 heterozygotes.
Comment: This study involves interpretation of variants in research participants for the purpose of population health screening. Participant phenotype was not available at the time of variant classification. Additional details can be found in publication PMID: 35346344, PMCID: PMC8962531

NM_000069.3(CACNA1S):c.4601G>A (p.Arg1534Gln)

Gene: CACNA1S (calcium voltage-gated channel subunit alpha1 S; minus strand). Cytogenetic location: 1q32.1.
Variant type: single nucleotide variant.
Coding change: c.4601G>A on transcript NM_000069.3 (MANE Select); coding-DNA position 4601, G replaced by A.
Protein change: p.Arg1534Gln; replaces arginine 1534 with glutamine.
Molecular consequence: missense variant.
Genome position (GRCh38, 1-based): chr1:201,047,182, C>T on the plus strand (G>A on the coding strand, the complement: CACNA1S is on the minus strand). VCF-style: chr1-201047182-C-T. GRCh37 (hg19) VCF-style: chr1-201016310-C-T.
Other names: short protein forms R1534Q.
Identifiers: ClinVar variation 859512 (VCV000859512.9), dbSNP rs891244994, ClinGen allele CA35996167.
Genomic context (GRCh38, chr1:201,047,182, plus strand): 5'-TGTACAATGTCCTTCTTGGGCCGATAGCCATAATACTCCTCTTGGCGTTTCATGAACTTC[C>T]GGAAGTGCTCCTGGATGAGGAATGTGGCGTAGAACTTCCCCACTGTCACCTCATCATCTG-3'
Protein context (NP_000060.2, residues 1524-1544): YATFLIQEHF[Arg1534Gln]KFMKRQEEYY